The following is an entry in ClinVar:

NM_001385012.1(NBEA):c.4865T>C (p.Leu1622Ser)

Gene: NBEA (neurobeachin; plus strand). Cytogenetic location: 13q13.3.
Variant type: single nucleotide variant.
Coding change: c.4865T>C on transcript NM_001385012.1 (MANE Select); coding-DNA position 4865, T replaced by C.
Protein change: p.Leu1622Ser; replaces leucine 1622 with serine.
Molecular consequence: missense variant.
Genome position (GRCh38, 1-based): chr13:35,184,009, T>C. VCF-style: chr13-35184009-T-C. GRCh37 (hg19) VCF-style: chr13-35758146-T-C.
Other names: c.4856T>C, p.Leu1619Ser (NM_001379245.1); c.4865T>C, p.Leu1622Ser (NM_015678.5); short protein forms L1619S, L1622S.
Identifiers: ClinVar variation 2443624 (VCV002443624.1), dbSNP rs2504006676, ClinGen allele CA387833319.

ClinVar aggregate classification (germline): Uncertain significance (1 of 4 stars; one submission).

Allele frequency attached by ClinVar (database versions not stated): gnomAD exomes below 0.00001.
gnomAD v4.1: 1 of 1,611,960 alleles (0.000062%); highest among the groups gnomAD compares: Non-Finnish European, 0.000085%; no homozygotes.

Submission:

GeneDx
Classification: Uncertain significance. Last evaluated: 2022-09-07. Review status: criteria provided, single submitter. Criteria: GeneDx Variant Classification Process June 2021. Collection method: clinical testing. Allele origin: germline. Affected: yes.
Comment: Not observed at significant frequency in large population cohorts (gnomAD); In silico analysis supports that this missense variant does not alter protein structure/function; Has not been previously published as pathogenic or benign to our knowledge